The following is an entry in ClinVar:

ClinVar aggregate classification (germline): Likely pathogenic. Review status: criteria provided, multiple submitters, no conflicts (2 of 4 stars). 2 submissions from 2 submitters: Likely pathogenic (2). Last evaluated 2024-09-21.

Conditions:
Hematuria, benign familial, 1 (BFH1). Also called: THIN MEMBRANE NEPHROPATHY. Identifiers: MedGen CN376803, MONDO:0007709, OMIM 141200.
Autosomal recessive Alport syndrome (ATS2). Also called: COL4A3-Related Nephropathy; COL4A4 Alport Syndrome and Thin Basement Membrane Nephropathy; Alport syndrome type 2; ALPORT SYNDROME 2, AUTOSOMAL RECESSIVE. Identifiers: Orphanet 63, Orphanet 88919, MedGen C4746745, MONDO:0008762, OMIM 203780.
Alport syndrome. Also called: Hemorrhagic familial nephritis; Hemorrhagic hereditary nephritis; Congenital hereditary hematuria. Identifiers: Orphanet 63, MedGen C1567741, MONDO:0018965.

Submissions (2):

Victorian Clinical Genetics Services, Murdoch Childrens Research Institute
Classification: Likely pathogenic for Alport syndrome. Last evaluated: 2024-09-21. Review status: criteria provided, single submitter. Criteria: ACMG Guidelines, 2015. Collection method: clinical testing. Allele origin: germline. Affected: yes.
Comment: Based on the classification scheme VCGS_Germline_v1.3.4, this variant is classified as Likely Pathogenic Following criteria are met: 0103 - Loss of function is a known mechanism of disease for this gene and is associated with Alport syndrome (MONDO:0018965), COL4A4-related. Dominant negative is a suspected mechanism of disease for this gene as it is a structural protein (PMID: 12028435, 24046192). (I) 0108 - This gene is associated with both recessive and dominant disease. Alport syndrome typically has biallelic inheritance, although rare cases of monoallelic inheritance have been reported (PMID: 28704582). Thin basement membrane nephropathy (TBMN) and focal segmental glomerulosclerosis (FSGS) are associated with autosomal dominant inheritance (OMIM, PMID: 16467446, 17942953). (I) 0200 - Variant is predicted to result in a missense amino acid change from glycine to aspartic acid. (I) 0251 - This variant is heterozygous. (I) 0301 - Variant is absent from gnomAD (both v2 and v3). (SP) 0309 - Multiple alternative amino acid changes at the same position have been observed in gnomAD (v3) (highest allele count: 1 heterozygote, 0 homozygotes). (I) 0501 - Missense variant consistently predicted to be damaging by multiple in silico tools or highly conserved with a major amino acid change. (SP) 0601 - Variant is located in the well-established functional Gly-X-Y motif (DECIPHER). (SP) 0710 - Other missense variants comparable to the one identified in this case have inconclusive previous evidence for pathogenicity. p.(Gly273Val) and p.(Gly273Cys) have both been submitted once to ClinVar as a VUS. (I) 0807 - This variant has no previous evidence of pathogenicity. (I) 0905 - No published segregation evidence has been identified for this variant. (I) 1007 - No published functional evidence has been identified for this variant. (I) 1208 - Inheritance information for this variant is not currently available in this individual. (I) Legend: (SP) - Supporting pathogenic, (I) - Information, (SB) - Supporting benign

Fulgent Genetics
Classification: Likely pathogenic for Hematuria, benign familial, 1; Autosomal recessive Alport syndrome. Last evaluated: 2024-05-16. Review status: criteria provided, single submitter. Criteria: ACMG Guidelines, 2015. Collection method: clinical testing. Allele origin: germline.

Literature cited by the submitters: PubMed 12028435 (cited by Victorian Clinical Genetics Services, Murdoch Childrens Research Institute); PubMed 16467446 (cited by Victorian Clinical Genetics Services, Murdoch Childrens Research Institute); PubMed 17942953 (cited by Victorian Clinical Genetics Services, Murdoch Childrens Research Institute); PubMed 24046192 (cited by Victorian Clinical Genetics Services, Murdoch Childrens Research Institute); PubMed 28704582 (cited by Victorian Clinical Genetics Services, Murdoch Childrens Research Institute).

NM_000092.5(COL4A4):c.818G>A (p.Gly273Asp)

Gene: COL4A4 (collagen type IV alpha 4 chain; minus strand). Cytogenetic location: 2q36.3.
Variant type: single nucleotide variant.
Coding change: c.818G>A on transcript NM_000092.5 (MANE Select); coding-DNA position 818, G replaced by A.
Protein change: p.Gly273Asp; replaces glycine 273 with aspartic acid.
Molecular consequence: missense variant.
Genome position (GRCh38, 1-based): chr2:227,103,196, C>T on the plus strand (G>A on the coding strand, the complement: COL4A4 is on the minus strand). VCF-style: chr2-227103196-C-T. GRCh37 (hg19) VCF-style: chr2-227967912-C-T.
Other names: short protein forms G273D.
Identifiers: ClinVar variation 3376832 (VCV003376832.2).